The following is an entry in ClinVar:

ClinVar aggregate classification (germline): Uncertain significance (1 of 4 stars; one submission).

Conditions:
Encephalopathy, acute, infection-induced (herpes-specific), susceptibility to, 6. Also called: Herpes simplex encephalitis, susceptibility to, 4. Identifiers: Orphanet 1930, MedGen C3553869, MONDO:0013921, OMIM 614850.

Allele frequency attached by ClinVar (database versions not stated): TOPMed 0.00003.

Submission:

Labcorp Genetics (formerly Invitae), Labcorp
Classification: Uncertain significance for Encephalopathy, acute, infection-induced (herpes-specific), susceptibility to, 6. Last evaluated: 2021-11-01. Review status: criteria provided, single submitter. Criteria: Invitae Variant Classification Sherloc (09022015). Collection method: clinical testing. Allele origin: germline.
Comment: In summary, the available evidence is currently insufficient to determine the role of this variant in disease. Therefore, it has been classified as a Variant of Uncertain Significance. Algorithms developed to predict the effect of missense changes on protein structure and function output the following: SIFT: "Tolerated"; PolyPhen-2: "Benign"; Align-GVGD: "Class C0". The lysine amino acid residue is found in multiple mammalian species, which suggests that this missense change does not adversely affect protein function. This variant has not been reported in the literature in individuals affected with TICAM1-related conditions. This variant is present in population databases (rs747280830, gnomAD 0.01%). This sequence change replaces asparagine, which is neutral and polar, with lysine, which is basic and polar, at codon 324 of the TICAM1 protein (p.Asn324Lys).

NM_182919.4(TICAM1):c.972C>A (p.Asn324Lys)

Gene: TICAM1 (TIR domain containing adaptor molecule 1; minus strand). Cytogenetic location: 19p13.3.
Variant type: single nucleotide variant.
Coding change: c.972C>A on transcript NM_182919.4 (MANE Select); coding-DNA position 972, C replaced by A.
Protein change: p.Asn324Lys; replaces asparagine 324 with lysine.
Molecular consequence: missense variant.
Genome position (GRCh38, 1-based): chr19:4,817,406, G>T on the plus strand (C>A on the coding strand, the complement: TICAM1 is on the minus strand). VCF-style: chr19-4817406-G-T. GRCh37 (hg19) VCF-style: chr19-4817418-G-T.
Other names: c.930C>A, p.Asn310Lys (NM_001385678.1); c.837C>A, p.Asn279Lys (NM_001385679.1); c.330C>A, p.Asn110Lys (NM_001385680.1); short protein forms N310K, N279K, N110K, N324K.
Identifiers: ClinVar variation 1447188 (VCV001447188.6), dbSNP rs747280830, ClinGen allele CA9105237.